The following is an entry in ClinVar:

NM_182961.4(SYNE1):c.12182C>T (p.Pro4061Leu)

Gene: SYNE1 (spectrin repeat containing nuclear envelope protein 1; minus strand). Cytogenetic location: 6q25.2.
Variant type: single nucleotide variant.
Coding change: c.12182C>T on transcript NM_182961.4 (MANE Select); coding-DNA position 12182, C replaced by T.
Protein change: p.Pro4061Leu; replaces proline 4061 with leucine.
Molecular consequence: missense variant.
Genome position (GRCh38, 1-based): chr6:152,344,124, G>A on the plus strand (C>T on the coding strand, the complement: SYNE1 is on the minus strand). VCF-style: chr6-152344124-G-A. GRCh37 (hg19) VCF-style: chr6-152665259-G-A.
Other names: c.11969C>T, p.Pro3990Leu (NM_033071.5); short protein forms P3990L, P4061L.
Identifiers: ClinVar variation 290669 (VCV000290669.12), dbSNP rs148036239, ClinGen allele CA4056486.

ClinVar aggregate classification (germline): Uncertain significance. Review status: criteria provided, multiple submitters, no conflicts (2 of 4 stars). 2 submissions from 2 submitters: Uncertain significance (2). Last evaluated 2022-08-16.

Conditions:
Autosomal recessive ataxia, Beauce type. Also called: Spinocerebellar ataxia, autosomal recessive 8; ATAXIA, RECESSIVE, OF BEAUCE; SYNE1 Deficiency; SYNE1-Related Autosomal Recessive Cerebellar Ataxia. Identifiers: Orphanet 88644, MedGen C1853116, MONDO:0012549, OMIM 610743.
Emery-Dreifuss muscular dystrophy 4, autosomal dominant (EDMD4). Also called: EMERY-DREIFUSS MUSCULAR DYSTROPHY 4 WITH VARIABLE FEATURES. Identifiers: Orphanet 261, MedGen C2751807, MONDO:0013071, OMIM 612998.

Allele frequency attached by ClinVar (database versions not stated): TOPMed 0.00002; gnomAD 0.00003 and 0.00004; gnomAD exomes 0.00004; ExAC 0.00006; ESP Exome Variant Server 0.00008.
gnomAD v4.1: 38 of 1,614,108 alleles (0.0024%); highest among the groups gnomAD compares: Non-Finnish European, 0.003%; no homozygotes.

Submissions (2):

Labcorp Genetics (formerly Invitae), Labcorp
Classification: Uncertain significance for Emery-Dreifuss muscular dystrophy 4, autosomal dominant; Autosomal recessive ataxia, Beauce type. Last evaluated: 2022-08-16. Review status: criteria provided, single submitter. Criteria: Invitae Variant Classification Sherloc (09022015). Collection method: clinical testing. Allele origin: germline.
Comment: In summary, the available evidence is currently insufficient to determine the role of this variant in disease. Therefore, it has been classified as a Variant of Uncertain Significance. Algorithms developed to predict the effect of sequence changes on RNA splicing suggest that this variant may disrupt the consensus splice site. Algorithms developed to predict the effect of missense changes on protein structure and function are either unavailable or do not agree on the potential impact of this missense change (SIFT: "Deleterious"; PolyPhen-2: "Benign"; Align-GVGD: "Class C65"). ClinVar contains an entry for this variant (Variation ID: 290669). This variant has not been reported in the literature in individuals affected with SYNE1-related conditions. This variant is present in population databases (rs148036239, gnomAD 0.009%). This sequence change replaces proline, which is neutral and non-polar, with leucine, which is neutral and non-polar, at codon 3990 of the SYNE1 protein (p.Pro3990Leu).

Eurofins Ntd Llc (ga)
Classification: Uncertain significance. Last evaluated: 2016-09-13. Review status: criteria provided, single submitter. Criteria: EGL Classification Definitions 2015. Collection method: clinical testing. Allele origin: germline. Observed: 1 variant allele, 1 heterozygote.